The following is an entry in ClinVar:

ClinVar aggregate classification (germline): Likely pathogenic (1 of 4 stars; one submission).

Conditions:
Congenital stationary night blindness 1C. Also called: Night blindness, congenital stationary (complete), 1C, autosomal recessive. Identifiers: Orphanet 215, MedGen C2750747, MONDO:0013183, OMIM 613216.

Submission:

SN ONGC Dept of Genetics and Molecular biology Vision Research Foundation
Classification: Likely pathogenic for Congenital stationary night blindness 1C. Last evaluated: 2024-10-24. Review status: criteria provided, single submitter. Criteria: ACMG Guidelines, 2015. Collection method: research. Allele origin: biparental. Inheritance: Autosomal recessive inheritance. Affected: yes. Observed: 1 compound heterozygote.
Comment: In an Indian study, the p.(K42E) variant in GNAT1 was identified in a heterozygous state, along with another heterozygous variant, p.(L33P) from exon 1, suggesting a likely compound heterozygous pattern. Both variants were found to segregate with the parents and were not detected in a screening of 100 control samples.

NM_144499.3(GNAT1):c.124A>G (p.Lys42Glu)

Gene: GNAT1 (G protein subunit alpha transducin 1; plus strand). Cytogenetic location: 3p21.31.
Variant type: single nucleotide variant.
Coding change: c.124A>G on transcript NM_144499.3 (MANE Select); coding-DNA position 124, A replaced by G.
Protein change: p.Lys42Glu; replaces lysine 42 with glutamic acid.
Molecular consequence: missense variant.
Genome position (GRCh38, 1-based): chr3:50,193,150, A>G. VCF-style: chr3-50193150-A-G. GRCh37 (hg19) VCF-style: chr3-50230583-A-G.
Other names: c.124A>G, p.Lys42Glu (NM_000172.4); short protein forms K42E.
Identifiers: ClinVar variation 3366971 (VCV003366971.2).